The following is an entry in ClinVar:

NM_001042492.3(NF1):c.2T>A (p.Met1Lys)

Genes: MIR4733HG (MIR4733 host gene; minus strand), NF1 (neurofibromin 1; plus strand), LOC111811965 (NF1 (neurofibromin 1) promoter region; plus strand). Cytogenetic location: 17q11.2.
Variant type: single nucleotide variant.
Coding change: c.2T>A on transcript NM_001042492.3 (MANE Select); coding-DNA position 2, T replaced by A.
Protein change: p.Met1Lys; changes the start codon (methionine 1).
Molecular consequence: missense variant, initiator codon variant. On other transcripts: non-coding transcript variant (1).
Genome position (GRCh38, 1-based): chr17:31,095,311, T>A. VCF-style: chr17-31095311-T-A. GRCh37 (hg19) VCF-style: chr17-29422329-T-A.
Other names: c.2T>A, p.Met1Lys (NM_000267.4, NM_001128147.3); short protein forms M1K.
Identifiers: ClinVar variation 547562 (VCV000547562.52), dbSNP rs886041346, ClinGen allele CA398979146.

ClinVar aggregate classification (germline): Conflicting classifications of pathogenicity. Review status: criteria provided, conflicting classifications (1 of 4 stars). 7 submissions from 7 submitters: Pathogenic (3); Likely pathogenic (3); Uncertain significance (1). Last evaluated 2025-07-04.

Conditions:
Neurofibromatosis, type 1 (NF1). Also called: VON RECKLINGHAUSEN DISEASE; NEUROFIBROMATOSIS, TYPE I, SOMATIC; Peripheral type neurofibromatosis; Neurofibromatosis, type I. Identifiers: Orphanet 636, MedGen C0027831, MONDO:0018975, OMIM 162200. Disease mechanism: loss of function.
Cardiovascular phenotype. Identifiers: MedGen CN230736.
Hereditary cancer-predisposing syndrome. Also called: Hereditary Cancer Syndrome; Tumor predisposition; Neoplastic Syndromes, Hereditary; Hereditary neoplastic syndrome. Identifiers: Orphanet 140162, MedGen C0027672, MeSH D009386, MONDO:0015356.

Submissions (7):

Labcorp Genetics (formerly Invitae), Labcorp
Classification: Pathogenic for Neurofibromatosis, type 1. Last evaluated: 2025-07-04. Review status: criteria provided, single submitter. Criteria: Invitae Variant Classification Sherloc (09022015). Collection method: clinical testing. Allele origin: germline.
Comment: This sequence change affects the initiator codon of the NF1 mRNA. This change may impact translation initiation or efficiency. The next in-frame methionine is located at codon 68. This variant is not present in population databases (gnomAD no frequency). Disruption of the initiator codon has been observed in individuals with neurofibromatosis type 1 (PMID: 10712197, 23668869, 23913538). Invitae Evidence Modeling of clinical and family history, age, sex, and reported ancestry of multiple individuals with this NF1 variant has been performed. This variant is expected to be pathogenic with a positive predictive value of at least 99%. This is a validated machine learning model that incorporates the clinical features of 1,785,918 individuals referred to our laboratory for NF1 testing. ClinVar contains an entry for this variant (Variation ID: 547562). For these reasons, this variant has been classified as Pathogenic.

Molecular Pathology, Peter Maccallum Cancer Centre
Classification: Likely pathogenic for Neurofibromatosis, type 1. Last evaluated: 2024-09-25. Review status: criteria provided, single submitter. Criteria: ACMG Guidelines, 2015. Collection method: clinical testing. Allele origin: germline. Inheritance: Autosomal dominant inheritance.

Genome-Nilou Lab
Classification: Pathogenic for Neurofibromatosis, type 1. Last evaluated: 2022-03-15. Review status: criteria provided, single submitter. Criteria: ACMG Guidelines, 2015. Collection method: clinical testing. Allele origin: germline. Affected: no.

Ambry Genetics
Classification: Pathogenic for Cardiovascular phenotype; Hereditary cancer-predisposing syndrome. Last evaluated: 2020-08-20. Review status: criteria provided, single submitter. Criteria: Ambry Variant Classification Scheme 2023. Collection method: clinical testing. Allele origin: germline.
Comment: The p.M1? pathogenic mutation (also known as c.2T>A) is located in coding exon 1 of the NF1 gene and results from a T to A substitution at nucleotide position 2. This alters the methionine residue at the initiation codon (ATG). Sequence variations that modify the initiation codon are expected to result in either loss of translation initiation, N-terminal truncation, or cause a shift in the mRNA reading frame. Based on the supporting evidence, this alteration is interpreted as a disease-causing mutation.

CeGaT Center for Human Genetics Tuebingen
Classification: Likely pathogenic. Last evaluated: 2019-12-01. Review status: criteria provided, single submitter. Criteria: CeGaT Center For Human Genetics Tuebingen Variant Classification Criteria Version 2. Collection method: clinical testing. Allele origin: germline. Affected: yes. Observed: 1 variant allele.

Center for Human Genetics, Inc
Classification: Likely pathogenic for Neurofibromatosis, type 1. Last evaluated: 2016-11-01. Review status: criteria provided, single submitter. Criteria: ACMG Guidelines, 2015. Collection method: clinical testing. Allele origin: germline. Affected: yes.

Juno Genomics, Hangzhou Juno Genomics, Inc
Classification: Uncertain significance for Neurofibromatosis, type 1. Review status: criteria provided, single submitter. Criteria: ACMG Guidelines, 2015. Collection method: clinical testing. Allele origin: germline. Affected: yes.
Comment: Absent from controls (or at extremely low frequency if recessive) in Genome Aggregation Database, Exome Sequencing Project, 1000 Genomes Project, or Exome Aggregation Consortium.;Null variant in a gene where loss of function (LOF) is a known mechanism of disease.;Patient's phenotype or family history is highly specific for a disease with a single genetic etiology.

Literature cited by the submitters: PubMed 10712197 (cited by Labcorp Genetics (formerly Invitae), Labcorp); PubMed 23668869 (cited by Labcorp Genetics (formerly Invitae), Labcorp); PubMed 23913538 (cited by Labcorp Genetics (formerly Invitae), Labcorp).